The following is an entry in ClinVar:

ClinVar aggregate classification (germline): Pathogenic (1 of 4 stars; one submission).

Conditions:
Citrin deficiency. Identifiers: Orphanet 247582, MedGen C1997910, MONDO:0016602.

Submission:

Labcorp Genetics (formerly Invitae), Labcorp
Classification: Pathogenic for Citrin deficiency. Last evaluated: 2021-11-15. Review status: criteria provided, single submitter. Criteria: Invitae Variant Classification Sherloc (09022015). Collection method: clinical testing. Allele origin: germline.
Comment: ClinVar contains an entry for this variant (Variation ID: 948894). This variant has not been reported in the literature in individuals affected with SLC25A13-related conditions. This variant is not present in population databases (gnomAD no frequency). This sequence change creates a premature translational stop signal (p.Ala205*) in the SLC25A13 gene. It is expected to result in an absent or disrupted protein product. Loss-of-function variants in SLC25A13 are known to be pathogenic (PMID: 10369257, 14680984, 27405544). For these reasons, this variant has been classified as Pathogenic.

Literature cited by the submitters: PubMed 10369257; PubMed 14680984; PubMed 27405544.

NM_014251.3(SLC25A13):c.607_611dup (p.Val204_Ala205insTer)

Gene: SLC25A13 (solute carrier family 25 member 13; minus strand). Cytogenetic location: 7q21.3.
Variant type: Duplication.
Coding change: c.607_611dup on transcript NM_014251.3 (MANE Select); coding-DNA positions 607 to 611, 5 bases duplicated (CTAGT; older notation c.607_611dupCTAGT).
Protein change: p.Val204_Ala205insTer.
Molecular consequence: nonsense, inframe insertion. On other transcripts: non-coding transcript variant (1).
Genome position (GRCh38, 1-based): chr7:96,193,041-96,193,045, ACTAG duplicated on the plus strand (CTAGT on the coding strand, the reverse complement: SLC25A13 is on the minus strand); duplicating any 5 consecutive bases within chr7:96,193,041-96,193,047 gives the same sequence; the c. name uses the placement nearest the transcript's 3' end. VCF-style (leftmost placement, unchanged base first): chr7-96193040-T-TACTAG. GRCh37 (hg19) VCF-style: chr7-95822352-T-TACTAG.
Other names: c.607_611dup, p.Val204_Ala205insTer (NM_001160210.2).
Identifiers: ClinVar variation 948894 (VCV000948894.7), dbSNP rs1794918929, ClinGen allele CA1139660145.